The following is an entry in ClinVar:

NM_000626.4(CD79B):c.366T>C (p.Cys122=)

Genes: CD79B (CD79b molecule; minus strand), GH-LCR (growth hormone locus control region; plus strand). Cytogenetic location: 17q23.3.
Variant type: single nucleotide variant.
Coding change: c.366T>C on transcript NM_000626.4 (MANE Select); coding-DNA position 366, T replaced by C.
Protein change: p.Cys122=; no amino-acid change (cysteine 122 retained).
Molecular consequence: synonymous variant. On other transcripts: intron variant (2).
Genome position (GRCh38, 1-based): chr17:63,930,138, A>G on the plus strand (T>C on the coding strand, the complement: CD79B is on the minus strand). VCF-style: chr17-63930138-A-G. GRCh37 (hg19) VCF-style: chr17-62007498-A-G.
Other names: p.Cys122=; c.369T>C, p.Cys123= (NM_001039933.3); c.119-250T>C (NM_021602.4); c.122-250T>C (NM_001329050.2).
Identifiers: ClinVar variation 402520 (VCV000402520.21), dbSNP rs2070776, ClinGen allele CA8708577.

ClinVar aggregate classification (germline): Benign. Review status: criteria provided, multiple submitters, no conflicts (2 of 4 stars). 7 submissions from 7 submitters: Benign (7). Last evaluated 2026-02-04.

Conditions:
Agammaglobulinemia 6, autosomal recessive (AGM6). Also called: AGAMMAGLOBULINEMIA, AUTOSOMAL RECESSIVE, DUE TO CD79B DEFECT; AGAMMAGLOBULINEMIA 6. Identifiers: MedGen C3150207, MONDO:0012987, OMIM 612692.

Allele frequency attached by ClinVar (database versions not stated): 1000 Genomes Project 0.56170; 1000 Genomes Project 30x 0.56215; gnomAD exomes 0.58923 and 0.62971; ExAC 0.59517; gnomAD 0.63192 and 0.64196; TOPMed 0.63212; ESP Exome Variant Server 0.65962.
gnomAD v4.1: 1,015,916 of 1,613,682 alleles (63%); highest among the groups gnomAD compares: Middle Eastern, 70%; 323,233 homozygotes.

Submissions (7):

Labcorp Genetics (formerly Invitae), Labcorp
Classification: Benign for Agammaglobulinemia 6, autosomal recessive. Last evaluated: 2026-02-04. Review status: criteria provided, single submitter. Criteria: Invitae Variant Classification Sherloc (09022015). Collection method: clinical testing. Allele origin: germline.

Women's Health and Genetics/Laboratory Corporation of America, LabCorp
Classification: Benign. Last evaluated: 2026-01-21. Review status: criteria provided, single submitter. Criteria: LabCorp Variant Classification Summary - May 2015. Collection method: clinical testing. Allele origin: germline.

Unidad de Genómica Garrahan, Hospital de Pediatría Garrahan
Classification: Benign. Last evaluated: 2024-01-24. Review status: criteria provided, single submitter. Criteria: ACMG Guidelines, 2015. Collection method: clinical testing. Allele origin: germline. Affected: no. Observed: 78 variant alleles.
Comment: This variant is classified as Benign based on local population frequency. This variant was detected in 82% of patients studied by a panel of primary immunodeficiencies. Number of patients: 78. Only high quality variants are reported.

GeneDx
Classification: Benign. Last evaluated: 2018-11-10. Review status: criteria provided, single submitter. Criteria: GeneDx Variant Classification Process June 2021. Collection method: clinical testing. Allele origin: germline. Affected: yes.

Mayo Clinic Laboratories, Mayo Clinic
Classification: Benign. Last evaluated: 2016-10-03. Review status: criteria provided, single submitter. Criteria: ACMG Guidelines, 2015. Collection method: clinical testing. Allele origin: germline. Observed: 109 variant alleles.

Laboratory for Molecular Medicine, Mass General Brigham Personalized Medicine
Classification: Benign. Last evaluated: 2016-03-28. Review status: criteria provided, single submitter. Criteria: LMM Criteria. Collection method: clinical testing. Allele origin: germline.
Comment: Variant identified in a genome or exome case(s) and assessed due to predicted null impact of the variant or pathogenic assertions in the literature or databases. Disclaimer: This variant has not undergone full assessment. The following are preliminary notes: Frequency

Breakthrough Genomics
Classification: Benign. Review status: criteria provided, single submitter. Criteria: ACMG Guidelines, 2015. Collection method: not provided. Allele origin: germline. Inheritance: Autosomal recessive inheritance. Affected: yes.